The following is an entry in ClinVar:

ClinVar aggregate classification (germline): Likely pathogenic/Pathogenic, low penetrance. Review status: criteria provided, multiple submitters, no conflicts (2 of 4 stars). 2 submissions from 2 submitters: Likely pathogenic (1); Pathogenic, low penetrance (1). Last evaluated 2025-09-26.

Conditions:
Atypical hemolytic-uremic syndrome with I factor anomaly. Also called: HEMOLYTIC UREMIC SYNDROME, ATYPICAL, SUSCEPTIBILITY TO, 3; AHUS, SUSCEPTIBILITY TO, 3. Identifiers: Orphanet 2134, MedGen C2752039, MONDO:0013041, OMIM 612923.
Factor I deficiency (CFID). Also called: Complement factor I deficiency. Identifiers: Orphanet 200418, MedGen C3463916, MONDO:0012594, OMIM 610984.
Age related macular degeneration 13. Identifiers: MedGen C3809523, MONDO:0014189, OMIM 615439.
CFI-related disorder. Also called: CFI-related condition; CFI-related disorders. Identifiers: MedGen CN239325.

gnomAD v4.1: 8 of 1,579,070 alleles (0.00051%); highest among the groups gnomAD compares: Non-Finnish European, 0.00061%; no homozygotes.

Submissions (2):

Genomenon, Inc
Classification: Pathogenic, low penetrance for CFI-related disorder. Last evaluated: 2025-09-26. Review status: criteria provided, single submitter. Criteria: Genomenon Sequence Variant Interpretation Standards - Updated. Collection method: curation. Allele origin: germline. Affected: yes.
Comment: CFI p.Cys255Tyr (c.764G>A) is a missense variant that changes the amino acid at residue 255 from Cysteine to Tyrosine. This variant has been observed in at least one proband affected with a CFI-related disorder (PMID:16138437). At least one functional study has demonstrated a substantial alteration in protein function relative to the wild-type (PMID:19065647). The variant is located in a mutational hotspot. It is absent or not present at a significant frequency in gnomAD. In silico models agree that this variant is possibly or probably damaging. In conclusion, we classify CFI p.Cys255Tyr (c.764G>A) as a pathogenic, low penetrance variant.

Fulgent Genetics
Classification: Likely pathogenic for Factor I deficiency; Atypical hemolytic-uremic syndrome with I factor anomaly; Age related macular degeneration 13. Last evaluated: 2024-02-06. Review status: criteria provided, single submitter. Criteria: ACMG Guidelines, 2015. Collection method: clinical testing. Allele origin: germline.

Literature cited by the submitters: PubMed 16138437 (cited by Genomenon, Inc); 19065647 (cited by Genomenon, Inc).

NM_000204.5(CFI):c.764G>A (p.Cys255Tyr)

Gene: CFI (complement factor I; minus strand). Cytogenetic location: 4q25.
Variant type: single nucleotide variant.
Coding change: c.764G>A on transcript NM_000204.5 (MANE Select); coding-DNA position 764, G replaced by A.
Protein change: p.Cys255Tyr; replaces cysteine 255 with tyrosine.
Molecular consequence: missense variant. On other transcripts: non-coding transcript variant (3).
Genome position (GRCh38, 1-based): chr4:109,760,531, C>T on the plus strand (G>A on the coding strand, the complement: CFI is on the minus strand). VCF-style: chr4-109760531-C-T. GRCh37 (hg19) VCF-style: chr4-110681687-C-T.
Other names: c.764G>A, p.Cys255Tyr (NM_001318057.2, NM_001331035.2, NM_001375278.1 and 5 more transcripts); c.155G>A, p.Cys52Tyr (NM_001375284.1); short protein forms C255Y, C52Y.
Identifiers: ClinVar variation 3589762 (VCV003589762.2).